The following is an entry in ClinVar:

NM_001077706.3(ECT2L):c.910A>G (p.Met304Val)

Gene: ECT2L (epithelial cell transforming 2 like; plus strand). Cytogenetic location: 6q24.1.
Variant type: single nucleotide variant.
Coding change: c.910A>G on transcript NM_001077706.3 (MANE Select); coding-DNA position 910, A replaced by G.
Protein change: p.Met304Val; replaces methionine 304 with valine.
Molecular consequence: missense variant.
Genome position (GRCh38, 1-based): chr6:138,849,275, A>G. VCF-style: chr6-138849275-A-G. GRCh37 (hg19) VCF-style: chr6-139170412-A-G.
Other names: c.910A>G, p.Met304Val (NM_001195037.2); short protein forms M304V.
Identifiers: ClinVar variation 134014 (VCV000134014.1), dbSNP rs75962473, ClinGen allele CA158420.

ClinVar aggregate classification (germline): not provided (0 of 4 stars; one submission).

Allele frequency attached by ClinVar (database versions not stated): gnomAD exomes 0.00127 and 0.00309; ExAC 0.00371; ESP Exome Variant Server 0.01136; gnomAD 0.01189 and 0.01287; 1000 Genomes Project 0.01338; TOPMed 0.01364; 1000 Genomes Project 30x 0.01374.
gnomAD v4.1: 3,792 of 1,610,908 alleles (0.24%); highest among the groups gnomAD compares: African/African-American, 4.3%; 83 homozygotes.

Submission:

ITMI
No classification provided. Condition: AllHighlyPenetrant. Last evaluated: 2013-09-19. Review status: no classification provided. Collection method: reference population. Allele origin: germline.
Comment: Please see associated publication for description of ethnicities

Literature cited by the submitters: PubMed 24728327.